The following is an entry in ClinVar:

NM_023067.4(FOXL2):c.854del (p.Pro285fs)

Gene: FOXL2 (forkhead box L2; minus strand). Cytogenetic location: 3q22.3.
Variant type: Deletion.
Coding change: c.854del on transcript NM_023067.4 (MANE Select); coding-DNA position 854, one base deleted (C; older notation c.854delC).
Protein change: p.Pro285fs; shifts the reading frame from proline 285.
Molecular consequence: frameshift variant.
Genome position (GRCh38, 1-based): chr3:138,945,869, G deleted on the plus strand (C on the coding strand, the reverse complement: FOXL2 is on the minus strand); the first of 5 consecutive G bases (chr3:138,945,869-138,945,873); deleting any one gives the same sequence. VCF-style (leftmost placement, unchanged base first): chr3-138945868-CG-C. GRCh37 (hg19) VCF-style: chr3-138664710-CG-C.
Other names: short protein forms P285fs.
Identifiers: ClinVar variation 180600 (VCV000180600.2), dbSNP rs797044531, ClinGen allele CA347077.

ClinVar aggregate classification (germline): Pathogenic. Review status: criteria provided, single submitter (1 of 4 stars). 2 submissions from 2 submitters: Pathogenic (1). 1 of the submissions does not count toward it. Last evaluated 2016-11-03.

Conditions:
Blepharophimosis, ptosis, and epicanthus inversus syndrome. Identifiers: Orphanet 126, MedGen C0220663, MONDO:0007201, OMIM 110100.

Submissions (2):

Genomic Diagnostic Laboratory, Division of Genomic Diagnostics, Children's Hospital of Philadelphia
Classification: Pathogenic for Blepharophimosis, ptosis, and epicanthus inversus syndrome. Last evaluated: 2016-11-03. Review status: criteria provided, single submitter. Criteria: DGD Variant Analysis Guidelines. Collection method: clinical testing. Allele origin: germline. Affected: yes. Observed: 2 variant alleles.
Comment: Clinical Testing

GeneReviews
No classification provided. Condition: Blepharophimosis, ptosis, and epicanthus inversus syndrome. Review status: no classification provided. Collection method: literature only. Allele origin: germline. Affected: yes. Not counted in ClinVar's aggregate classification.

Literature cited by the submitters: NCBI Bookshelf NBK1441 (cited by GeneReviews).